The following is an entry in ClinVar:

ClinVar aggregate classification (germline): Uncertain significance (1 of 4 stars; one submission).

Conditions:
Ichthyosis linearis circumflexa. Identifiers: MedGen C0265962, MONDO:0043106, HP:0025810.

gnomAD v4.1: 2 of 1,613,382 alleles (0.00012%); highest among the groups gnomAD compares: Non-Finnish European, 0.00017%; no homozygotes.

Submission:

Labcorp Genetics (formerly Invitae), Labcorp
Classification: Uncertain significance for Ichthyosis linearis circumflexa. Last evaluated: 2022-02-20. Review status: criteria provided, single submitter. Criteria: Invitae Variant Classification Sherloc (09022015). Collection method: clinical testing. Allele origin: germline.
Comment: In summary, the available evidence is currently insufficient to determine the role of this variant in disease. Therefore, it has been classified as a Variant of Uncertain Significance. Algorithms developed to predict the effect of missense changes on protein structure and function output the following: SIFT: "Deleterious"; PolyPhen-2: "Probably Damaging"; Align-GVGD: "Class C0". The aspartic acid amino acid residue is found in multiple mammalian species, which suggests that this missense change does not adversely affect protein function. This sequence change replaces glutamic acid, which is acidic and polar, with aspartic acid, which is acidic and polar, at codon 513 of the SPINK5 protein (p.Glu513Asp). This variant has not been reported in the literature in individuals affected with SPINK5-related conditions. This variant is not present in population databases (gnomAD no frequency).

NM_006846.4(SPINK5):c.1539G>C (p.Glu513Asp)

Gene: SPINK5 (serine peptidase inhibitor Kazal type 5; plus strand). Cytogenetic location: 5q32.
Variant type: single nucleotide variant.
Coding change: c.1539G>C on transcript NM_006846.4 (MANE Select); coding-DNA position 1539, G replaced by C.
Protein change: p.Glu513Asp; replaces glutamic acid 513 with aspartic acid.
Molecular consequence: missense variant.
Genome position (GRCh38, 1-based): chr5:148,107,096, G>C. VCF-style: chr5-148107096-G-C. GRCh37 (hg19) VCF-style: chr5-147486659-G-C.
Other names: c.1539G>C, p.Glu513Asp (NM_001127698.2, NM_001127699.2); short protein forms E513D.
Identifiers: ClinVar variation 2100537 (VCV002100537.4), dbSNP rs184512279, ClinGen allele CA361639205.